The following is an entry in ClinVar:

ClinVar aggregate classification (germline): Benign/Likely benign. Review status: criteria provided, multiple submitters, no conflicts (2 of 4 stars). 11 submissions from 9 submitters: Benign (7); Likely benign (4). Last evaluated 2026-02-04.

Conditions:
Kidney disorder. Also called: renal disease; Nephropathy; Kidney Diseases; Kidney disease; renal disorder. Identifiers: MedGen C0022658, MONDO:0005240, HP:0000112.
Nephronophthisis. Also called: Juvenile Nephronophthisis. Identifiers: Orphanet 655, MedGen C0687120, MONDO:0019005, HP:0000090.
Renal-hepatic-pancreatic dysplasia 1 (RHPD1). Identifiers: MedGen C3715199, MONDO:0008833, OMIM 208540.
Nephronophthisis 3 (NPHP3). Also called: Adolescent nephronophthisis. Identifiers: Orphanet 655, MedGen C1858392, MONDO:0011456, OMIM 604387.
NPHP3-related Meckel-like syndrome. Also called: GOLDSTON SYNDROME; Meckel syndrome type 7. Identifiers: Orphanet 3032, MedGen C2673885, MONDO:0009966, OMIM 267010.

Allele frequency attached by ClinVar (database versions not stated): 1000 Genomes Project 0.00919; 1000 Genomes Project 30x 0.00999; gnomAD 0.01128; ESP Exome Variant Server 0.01231; TOPMed 0.01422; gnomAD exomes 0.01575; ExAC 0.01714.

Submissions (11):

Labcorp Genetics (formerly Invitae), Labcorp
Classification: Benign for Nephronophthisis. Last evaluated: 2026-02-04. Review status: criteria provided, single submitter. Criteria: Invitae Variant Classification Sherloc (09022015). Collection method: clinical testing. Allele origin: germline.

Blueprint Genetics
Classification: Likely benign. Last evaluated: 2024-11-26. Review status: criteria provided, single submitter. Criteria: ACMG Guidelines, 2015. Collection method: clinical testing. Allele origin: germline.

Mayo Clinic Laboratories, Mayo Clinic
Classification: Benign. Last evaluated: 2024-05-15. Review status: criteria provided, single submitter. Criteria: ACMG Guidelines, 2015. Collection method: clinical testing. Allele origin: germline. Observed: 25 variant alleles.
Comment: BS1, BS2, BP4, BP7

Genome Diagnostics Laboratory, The Hospital for Sick Children
Classification: Likely benign for Kidney disorder. Last evaluated: 2020-01-01. Review status: criteria provided, single submitter. Criteria: ACMG Guidelines, 2015. Collection method: clinical testing. Allele origin: germline.

Illumina Laboratory Services, Illumina
Classification: Benign for Renal-hepatic-pancreatic dysplasia 1. Last evaluated: 2018-01-12. Review status: criteria provided, single submitter. Criteria: ICSL Variant Classification Criteria 13 December 2019. Collection method: clinical testing. Allele origin: germline.
Comment: This variant was observed in the ICSL laboratory as part of a predisposition screen in an ostensibly healthy population. It had not been previously curated by ICSL or reported in the Human Gene Mutation Database (HGMD: prior to June 1st, 2018), and was therefore a candidate for classification through an automated scoring system. Utilizing variant allele frequency, disease prevalence and penetrance estimates, and inheritance mode, an automated score was calculated to assess if this variant is too frequent to cause the disease. Based on the score and internal cut-off values, a variant classified as benign is not then subjected to further curation. The score for this variant resulted in a classification of benign for this disease.

Illumina Laboratory Services, Illumina
Classification: Likely benign for NPHP3-related Meckel-like syndrome. Last evaluated: 2018-01-12. Review status: criteria provided, single submitter. Criteria: ICSL Variant Classification Criteria 13 December 2019. Collection method: clinical testing. Allele origin: germline.
Comment: This variant was observed in the ICSL laboratory as part of a predisposition screen in an ostensibly healthy population. It had not been previously curated by ICSL or reported in the Human Gene Mutation Database (HGMD: prior to June 1st, 2018), and was therefore a candidate for classification through an automated scoring system. Utilizing variant allele frequency, disease prevalence and penetrance estimates, and inheritance mode, an automated score was calculated to assess if this variant is too frequent to cause the disease. Based on the score and internal cut-off values, a variant classified as likely benign is not then subjected to further curation. The score for this variant resulted in a classification of likely benign for this disease.

Illumina Laboratory Services, Illumina
Classification: Benign for Nephronophthisis 3. Last evaluated: 2018-01-12. Review status: criteria provided, single submitter. Criteria: ICSL Variant Classification Criteria 13 December 2019. Collection method: clinical testing. Allele origin: germline.
Comment: the same text as in the submission from Illumina Laboratory Services, Illumina above.

GeneDx
Classification: Benign. Last evaluated: 2016-03-21. Review status: criteria provided, single submitter. Criteria: GeneDx Variant Classification (06012015). Collection method: clinical testing. Allele origin: germline. Affected: yes.
Comment: This variant is considered likely benign or benign based on one or more of the following criteria: it is a conservative change, it occurs at a poorly conserved position in the protein, it is predicted to be benign by multiple in silico algorithms, and/or has population frequency not consistent with disease.

Eurofins Ntd Llc (ga)
Classification: Benign. Last evaluated: 2014-02-18. Review status: criteria provided, single submitter. Criteria: EGL Classification Definitions 2015. Collection method: clinical testing. Allele origin: germline. Observed: 3 variant alleles, 3 heterozygotes.

Breakthrough Genomics
Classification: Likely benign. Review status: criteria provided, single submitter. Criteria: ACMG Guidelines, 2015. Collection method: not provided. Allele origin: germline. Inheritance: Autosomal recessive inheritance. Affected: yes.

PreventionGenetics, part of Exact Sciences
Classification: Benign. Review status: criteria provided, single submitter. Criteria: ACMG Guidelines, 2015. Collection method: clinical testing. Allele origin: germline.

NM_153240.5(NPHP3):c.57G>C (p.Thr19=)

Genes: NPHP3 (nephrocystin 3; minus strand), NPHP3-ACAD11 (NPHP3-ACAD11 readthrough (NMD candidate); minus strand), NPHP3-AS1 (NPHP3 antisense RNA 1; plus strand), LOC129937586 (ATAC-STARR-seq lymphoblastoid silent region 14743; plus strand). Cytogenetic location: 3q22.1.
Variant type: single nucleotide variant.
Coding change: c.57G>C on transcript NM_153240.5 (MANE Select); coding-DNA position 57, G replaced by C.
Protein change: p.Thr19=; no amino-acid change (threonine 19 retained).
Molecular consequence: synonymous variant. On other transcripts: non-coding transcript variant (3).
Genome position (GRCh38, 1-based): chr3:132,722,299, C>G on the plus strand (G>C on the coding strand, the complement: NPHP3 is on the minus strand). VCF-style: chr3-132722299-C-G. GRCh37 (hg19) VCF-style: chr3-132441143-C-G.
Other names: p.Thr19=.
Identifiers: ClinVar variation 167369 (VCV000167369.26), dbSNP rs192633696, ClinGen allele CA180235.